The following is an entry in ClinVar:

ClinVar aggregate classification (germline): Pathogenic (1 of 4 stars; one submission).

Submission:

Labcorp Genetics (formerly Invitae), Labcorp
Classification: Pathogenic. Last evaluated: 2022-10-04. Review status: criteria provided, single submitter. Criteria: Invitae Variant Classification Sherloc (09022015). Collection method: clinical testing. Allele origin: germline.
Comment: This variant is a gross deletion of the genomic region encompassing exon(s) 4-8 of the MSH3 gene. This deletion is out-of-frame, and is expected to create a premature termination codon and result in an absent or disrupted protein product. Loss-of-function variants in MSH3 are known to be pathogenic (PMID: 27476653). This variant has not been reported in the literature in individuals affected with MSH3-related conditions. For these reasons, this variant has been classified as Pathogenic.

Literature cited by the submitters: PubMed 27476653.

NC_000005.9:g.(?_79965906)_(79974922_?)del

Gene: MSH3 (mutS homolog 3; plus strand). Cytogenetic location: 5q14.1.
Variant type: Deletion.
Identifiers: ClinVar variation 1074258 (VCV001074258.5).